The following is an entry in ClinVar:

NM_032578.4(MYPN):c.3551C>T (p.Pro1184Leu)

Gene: MYPN (myopalladin; plus strand). Cytogenetic location: 10q21.3.
Variant type: single nucleotide variant.
Coding change: c.3551C>T on transcript NM_032578.4 (MANE Select); coding-DNA position 3551, C replaced by T.
Protein change: p.Pro1184Leu; replaces proline 1184 with leucine.
Molecular consequence: missense variant. On other transcripts: non-coding transcript variant (2).
Genome position (GRCh38, 1-based): chr10:68,201,886, C>T. VCF-style: chr10-68201886-C-T. GRCh37 (hg19) VCF-style: chr10-69961643-C-T.
Other names: c.3551C>T, p.Pro1184Leu (NM_001256267.2); c.2669C>T, p.Pro890Leu (NM_001256268.2); short protein forms P890L, P1184L.
Identifiers: ClinVar variation 4841980 (VCV004841980.1).

ClinVar aggregate classification (germline): Uncertain significance (1 of 4 stars; one submission).

Conditions:
Cardiovascular phenotype. Identifiers: MedGen CN230736.

gnomAD v4.1: 3 of 1,614,014 alleles (0.00019%); highest among the groups gnomAD compares: Non-Finnish European, 0.00025%; no homozygotes.

Submission:

Ambry Genetics
Classification: Uncertain significance for Cardiovascular phenotype. Last evaluated: 2025-12-19. Review status: criteria provided, single submitter. Criteria: Ambry Variant Classification Scheme 2023. Collection method: clinical testing. Allele origin: germline.
Comment: The p.P1184L variant (also known as c.3551C>T), located in coding exon 17 of the MYPN gene, results from a C to T substitution at nucleotide position 3551. The proline at codon 1184 is replaced by leucine, an amino acid with similar properties. This amino acid position is conserved. In addition, the in silico prediction for this alteration is inconclusive. Based on the available evidence, the clinical significance of this variant remains unclear.